The following is an entry in ClinVar:

NM_033109.5(PNPT1):c.1841T>G (p.Leu614Ter)

Gene: PNPT1 (polyribonucleotide nucleotidyltransferase 1; minus strand). Cytogenetic location: 2p16.1.
Variant type: single nucleotide variant.
Coding change: c.1841T>G on transcript NM_033109.5 (MANE Select); coding-DNA position 1841, T replaced by G.
Protein change: p.Leu614Ter; replaces leucine 614 with a stop codon.
Molecular consequence: nonsense.
Genome position (GRCh38, 1-based): chr2:55,644,702, A>C on the plus strand (T>G on the coding strand, the complement: PNPT1 is on the minus strand). VCF-style: chr2-55644702-A-C. GRCh37 (hg19) VCF-style: chr2-55871837-A-C.
Other names: short protein forms L614*.
Identifiers: ClinVar variation 3722315 (VCV003722315.2).

ClinVar aggregate classification (germline): Pathogenic (1 of 4 stars; one submission).

Submission:

Labcorp Genetics (formerly Invitae), Labcorp
Classification: Pathogenic. Last evaluated: 2024-10-06. Review status: criteria provided, single submitter. Criteria: Invitae Variant Classification Sherloc (09022015). Collection method: clinical testing. Allele origin: germline.
Comment: This sequence change creates a premature translational stop signal (p.Leu614*) in the PNPT1 gene. It is expected to result in an absent or disrupted protein product. Loss-of-function variants in PNPT1 are known to be pathogenic (PMID: 28594066, 30244537). This variant is not present in population databases (gnomAD no frequency). This variant has not been reported in the literature in individuals affected with PNPT1-related conditions. For these reasons, this variant has been classified as Pathogenic.

Literature cited by the submitters: PubMed 28594066; PubMed 30244537.